The following is an entry in ClinVar:

NM_005901.6(SMAD2):c.1346T>C (p.Leu449Ser)

Gene: SMAD2 (SMAD family member 2; minus strand). Cytogenetic location: 18q21.1.
Variant type: single nucleotide variant.
Coding change: c.1346T>C on transcript NM_005901.6 (MANE Select); coding-DNA position 1346, T replaced by C.
Protein change: p.Leu449Ser; replaces leucine 449 with serine.
Molecular consequence: missense variant.
Genome position (GRCh38, 1-based): chr18:47,841,885, A>G on the plus strand (T>C on the coding strand, the complement: SMAD2 is on the minus strand). VCF-style: chr18-47841885-A-G. GRCh37 (hg19) VCF-style: chr18-45368256-A-G.
Other names: c.1346T>C, p.Leu449Ser (NM_001003652.4); c.1256T>C, p.Leu419Ser (NM_001135937.3); short protein forms L449S, L419S.
Identifiers: ClinVar variation 1327530 (VCV001327530.3), dbSNP rs2144276501, ClinGen allele CA402502607.
Genomic context (GRCh38, chr18:47,841,885, plus strand): 5'-CTTTATGACATGCTTGAGCAACGCACTGAAGGGGATCCCATCTGAGTTAATACTTTGTCC[A>G]ACCACTGTAGAGGTCCATTCAGATGAAGTTCAATCCAGCAAGGAGTACTTGTTACCGTCT-3'
Protein context (NP_005892.1, residues 439-459): ELHLNGPLQW[Leu449Ser]DKVLTQMGSP

ClinVar aggregate classification (germline): Uncertain significance. Review status: criteria provided, single submitter (1 of 4 stars). 2 submissions from 2 submitters: Uncertain significance (1). 1 of the submissions does not count toward it. Last evaluated 2024-11-09.

Conditions:
Loeys-Dietz syndrome 6. Identifiers: MedGen C5562041, MONDO:0030500, OMIM 619656.

Submissions (2):

Labcorp Genetics (formerly Invitae), Labcorp
Classification: Uncertain significance. Last evaluated: 2024-11-09. Review status: criteria provided, single submitter. Criteria: Invitae Variant Classification Sherloc (09022015). Collection method: clinical testing. Allele origin: germline.
Comment: This sequence change replaces leucine, which is neutral and non-polar, with serine, which is neutral and polar, at codon 449 of the SMAD2 protein (p.Leu449Ser). This variant is not present in population databases (gnomAD no frequency). This variant has not been reported in the literature in individuals affected with SMAD2-related conditions. ClinVar contains an entry for this variant (Variation ID: 1327530). Invitae Evidence Modeling of protein sequence and biophysical properties (such as structural, functional, and spatial information, amino acid conservation, physicochemical variation, residue mobility, and thermodynamic stability) indicates that this missense variant is expected to disrupt SMAD2 protein function with a positive predictive value of 80%. In summary, the available evidence is currently insufficient to determine the role of this variant in disease. Therefore, it has been classified as a Variant of Uncertain Significance.

OMIM
Classification: Pathogenic for LOEYS-DIETZ SYNDROME 6. Last evaluated: 2021-12-10. Review status: no assertion criteria provided. Collection method: literature only. Allele origin: germline. Not counted in ClinVar's aggregate classification.

Literature cited by the submitters: PubMed 26247899 (cited by OMIM).